The following is an entry in ClinVar:

NM_001134793.2(HYLS1):c.-25-3215C>G

Genes: HYLS1 (HYLS1 centriolar and ciliogenesis associated; plus strand), PUS3 (pseudouridine synthase 3; minus strand). Cytogenetic location: 11q24.2.
Variant type: single nucleotide variant.
Coding change: c.-25-3215C>G on transcript NM_001134793.2 (MANE Select); 3215 bases into the intron before 25 bases upstream of the start codon, C replaced by G.
Molecular consequence: intron variant. On other transcripts: missense variant (1).
Genome position (GRCh38, 1-based): chr11:125,896,129, C>G. VCF-style: chr11-125896129-C-G. GRCh37 (hg19) VCF-style: chr11-125766024-C-G.
Other names: c.156G>C, p.Lys52Asn (NM_031307.4); c.-80-2975C>G (NM_145014.3); c.-22-3218C>G (NM_001424364.1, NM_001377270.1); c.-25-3215C>G (NM_001377269.1); c.-246-340G>C (NM_001271985.2); short protein forms K52N.
Identifiers: ClinVar variation 1305957 (VCV001305957.2), dbSNP rs2134246776, ClinGen allele CA383200805.

ClinVar aggregate classification (germline): Uncertain significance (1 of 4 stars; one submission).

Submission:

GeneDx
Classification: Uncertain significance. Last evaluated: 2019-06-06. Review status: criteria provided, single submitter. Criteria: GeneDx Variant Classification Process June 2021. Collection method: clinical testing. Allele origin: germline. Affected: yes.
Comment: Not observed in large population cohorts (Lek et al., 2016); In silico analysis, which includes protein predictors and evolutionary conservation, supports that this variant does not alter protein structure/function; Has not been previously published as pathogenic or benign to our knowledge